The following is an entry in ClinVar:

NM_001148.6(ANK2):c.2729T>G (p.Leu910Arg)

Gene: ANK2 (ankyrin 2; plus strand). Cytogenetic location: 4q26.
Variant type: single nucleotide variant.
Coding change: c.2729T>G on transcript NM_001148.6 (MANE Select); coding-DNA position 2729, T replaced by G.
Protein change: p.Leu910Arg; replaces leucine 910 with arginine.
Molecular consequence: missense variant.
Genome position (GRCh38, 1-based): chr4:113,317,742, T>G. VCF-style: chr4-113317742-T-G. GRCh37 (hg19) VCF-style: chr4-114238898-T-G.
Other names: c.2774T>G, p.Leu925Arg (NM_001354240.2, NM_001354241.2, NM_001386144.1); c.2771T>G, p.Leu924Arg (NM_001354242.2, NM_001354230.2, NM_001354231.2 and 1 more transcripts); c.2666T>G, p.Leu889Arg (NM_001354243.2, NM_001127493.3, NM_001354255.2 and 3 more transcripts); c.2663T>G, p.Leu888Arg (NM_001354244.2, NM_001354252.2, NM_001386161.1 and 3 more transcripts); c.2630T>G, p.Leu877Arg (NM_001354245.2, NM_001354268.2); c.2726T>G, p.Leu909Arg (NM_001354246.2, NM_001354235.2, NM_001354236.2 and 1 more transcripts); c.2642T>G, p.Leu881Arg (NM_001354249.2, NM_001386153.1, NM_001386162.1 and 7 more transcripts); c.2567T>G, p.Leu856Arg (NM_001354253.2, NM_001386156.1, NM_001354257.2 and 1 more transcripts); and 17 more; short protein forms L888R, L893R, L896R, L898R, L910R, L925R, L937R, L119R.
Identifiers: ClinVar variation 4096530 (VCV004096530.1).

ClinVar aggregate classification (germline): Uncertain significance (1 of 4 stars; one submission).

Conditions:
Cardiovascular phenotype. Identifiers: MedGen CN230736.

Submission:

Ambry Genetics
Classification: Uncertain significance for Cardiovascular phenotype. Last evaluated: 2025-07-09. Review status: criteria provided, single submitter. Criteria: Ambry Variant Classification Scheme 2023. Collection method: clinical testing. Allele origin: germline.
Comment: The p.L910R variant (also known as c.2729T>G), located in coding exon 25 of the ANK2 gene, results from a T to G substitution at nucleotide position 2729. The leucine at codon 910 is replaced by arginine, an amino acid with dissimilar properties. This amino acid position is conserved. In addition, this alteration is predicted to be deleterious by in silico analysis. Based on the available evidence, the clinical significance of this variant remains unclear.